The following is an entry in ClinVar:

ClinVar aggregate classification (germline): Uncertain significance. Review status: criteria provided, multiple submitters, no conflicts (2 of 4 stars). 3 submissions from 3 submitters: Uncertain significance (3). Last evaluated 2025-06-04.

Conditions:
TET3-related disorder. Also called: TET3-Related Disease; TET3-related condition.
Beck-Fahrner syndrome (BEFAHRS). Identifiers: Orphanet 684216, MedGen C5394097, MONDO:0032922, OMIM 618798.

Allele frequency attached by ClinVar (database versions not stated): ExAC 0.00001; TOPMed 0.00001; ESP Exome Variant Server 0.00016.
gnomAD v4.1: 4 of 1,576,876 alleles (0.00025%); highest among the groups gnomAD compares: Non-Finnish European, 0.00034%; no homozygotes.

Submissions (3):

GeneDx
Classification: Uncertain significance. Last evaluated: 2025-06-04. Review status: criteria provided, single submitter. Criteria: GeneDx Variant Classification Process June 2021. Collection method: clinical testing. Allele origin: germline. Affected: yes.
Comment: Not observed at significant frequency in large population cohorts (gnomAD); In silico analysis supports that this missense variant has a deleterious effect on protein structure/function; Has not been previously published as pathogenic or benign to our knowledge

PreventionGenetics, part of Exact Sciences
Classification: Uncertain significance for TET3-related condition. Last evaluated: 2023-02-01. Review status: criteria provided, single submitter. Criteria: ACMG Guidelines, 2015. Collection method: clinical testing. Allele origin: germline.
Comment: The TET3 c.5231G>A variant is predicted to result in the amino acid substitution p.Arg1744His. To our knowledge, this variant has not been reported in the literature. This variant is reported in 0.0010% of alleles in individuals of European (Non-Finnish) descent in gnomAD. At this time, the clinical significance of this variant is uncertain due to the absence of conclusive functional and genetic evidence.

HudsonAlpha Institute for Biotechnology
Classification: Uncertain significance for Beck-Fahrner syndrome. Last evaluated: 2023-01-23. Review status: criteria provided, single submitter. Criteria: ACMG Guidelines, 2015. Collection method: research. Allele origin: paternal. Observed: 1 variant allele. Study: HudsonAlpha-AGHI-WGS.

NM_001287491.2(TET3):c.5231G>A (p.Arg1744His)

Gene: TET3 (tet methylcytosine dioxygenase 3; plus strand). Cytogenetic location: 2p13.1.
Variant type: single nucleotide variant.
Coding change: c.5231G>A on transcript NM_001287491.2 (MANE Select); coding-DNA position 5231, G replaced by A.
Protein change: p.Arg1744His; replaces arginine 1744 with histidine.
Molecular consequence: missense variant.
Genome position (GRCh38, 1-based): chr2:74,102,019, G>A. VCF-style: chr2-74102019-G-A. GRCh37 (hg19) VCF-style: chr2-74329146-G-A.
Other names: c.5231G>A (NM_001287491.1); c.4952G>A, p.Arg1651His (NM_001366022.1); c.4826G>A, p.Arg1609His (NM_144993.1); short protein forms R1609H, R1651H, R1744H.
Identifiers: ClinVar variation 2571622 (VCV002571622.3), dbSNP rs375875056, ClinGen allele CA1719374.